The following is an entry in ClinVar:

ClinVar aggregate classification (germline): Uncertain significance. Review status: criteria provided, multiple submitters, no conflicts (2 of 4 stars). 3 submissions from 3 submitters: Uncertain significance (3). Last evaluated 2026-08-20.

Conditions:
Hereditary cancer-predisposing syndrome. Also called: Hereditary Cancer Syndrome; Hereditary neoplastic syndrome; Neoplastic Syndromes, Hereditary; Tumor predisposition. Identifiers: Orphanet 140162, MedGen C0027672, MeSH D009386, MONDO:0015356.
Pheochromocytoma/paraganglioma syndrome 3. Also called: GLOMUS TUMORS, FAMILIAL, 3; Paragangliomas 3; SDHC-Related Hereditary Paraganglioma-Pheochromocytoma Syndrome (Paragangliomas 3); SDHC-Related Hereditary Paraganglioma-Pheochromocytoma Syndrome. Identifiers: Orphanet 29072, MedGen C1854336, MONDO:0011544, OMIM 605373.
Gastrointestinal stromal tumor. Also called: Gastrointestinal stroma tumor; Gastrointestinal stromal tumor, somatic. Identifiers: Orphanet 44890, MedGen C0238198, MeSH D046152, MONDO:0011719, OMIM 606764, HP:0100723.
Hereditary pheochromocytoma and paraganglioma. Also called: Hereditary Paraganglioma-Pheochromocytoma Syndromes; Hereditary pheochromocytoma-paraganglioma; Hereditary paragangliomas and pheochromocytomas. Identifiers: Orphanet 29072, MedGen C4274332, MONDO:0017366.

Submissions (3):

Ambry Genetics
Classification: Uncertain significance for Hereditary cancer-predisposing syndrome. Last evaluated: 2026-08-20. Review status: criteria provided, single submitter. Criteria: Ambry Variant Classification Scheme 2023. Collection method: clinical testing. Allele origin: germline.
Comment: The p.W137G variant (also known as c.409T>G), located in coding exon 6 of the SDHC gene, results from a T to G substitution at nucleotide position 409. The tryptophan at codon 137 is replaced by glycine, an amino acid with highly dissimilar properties. This amino acid position is highly conserved in available vertebrate species. In addition, this alteration is predicted to be deleterious by in silico analysis. Based on the available evidence, the clinical significance of this variant remains unclear.

Labcorp Genetics (formerly Invitae), Labcorp
Classification: Uncertain significance for Pheochromocytoma/paraganglioma syndrome 3; Gastrointestinal stromal tumor. Last evaluated: 2024-05-14. Review status: criteria provided, single submitter. Criteria: Invitae Variant Classification Sherloc (09022015). Collection method: clinical testing. Allele origin: germline.
Comment: This sequence change replaces tryptophan, which is neutral and slightly polar, with glycine, which is neutral and non-polar, at codon 137 of the SDHC protein (p.Trp137Gly). This variant is not present in population databases (gnomAD no frequency). This variant has not been reported in the literature in individuals affected with SDHC-related conditions. ClinVar contains an entry for this variant (Variation ID: 1737821). An algorithm developed to predict the effect of missense changes on protein structure and function (PolyPhen-2) suggests that this variant is likely to be disruptive. In summary, the available evidence is currently insufficient to determine the role of this variant in disease. Therefore, it has been classified as a Variant of Uncertain Significance.

All of Us Research Program, National Institutes of Health
Classification: Uncertain significance for Hereditary pheochromocytoma and paraganglioma. Last evaluated: 2024-04-25. Review status: criteria provided, single submitter. Criteria: ACMG Guidelines, 2015. Collection method: clinical testing. Allele origin: germline. Inheritance: Autosomal dominant inheritance. Observed: 1 variant allele, 1 heterozygote.
Comment: This missense variant replaces tryptophan with glycine at codon 137 of the SDHC protein. Computational prediction suggests that this variant may have deleterious impact on protein structure and function (internally defined REVEL score threshold >= 0.7, PMID: 27666373). To our knowledge, functional studies have not been reported for this variant. This variant has not been reported in individuals affected with SDHC-related disorders in the literature. This variant has not been identified in the general population by the Genome Aggregation Database (gnomAD). The available evidence is insufficient to determine the role of this variant in disease conclusively. Therefore, this variant is classified as a Variant of Uncertain Significance.

This study involves interpretation of variants in research participants for the purpose of population health screening. Participant phenotype was not available at the time of variant classification. Additional details can be found in publication PMID: 35346344, PMCID: PMC8962531

NM_003001.5(SDHC):c.409T>G (p.Trp137Gly)

Gene: SDHC (succinate dehydrogenase complex subunit C; plus strand). Cytogenetic location: 1q23.3.
Variant type: single nucleotide variant.
Coding change: c.409T>G on transcript NM_003001.5 (MANE Select); coding-DNA position 409, T replaced by G.
Protein change: p.Trp137Gly; replaces tryptophan 137 with glycine.
Molecular consequence: missense variant.
Genome position (GRCh38, 1-based): chr1:161,362,332, T>G. VCF-style: chr1-161362332-T-G. GRCh37 (hg19) VCF-style: chr1-161332122-T-G.
Other names: c.245T>G, p.Val82Gly (NM_001035511.3); c.307T>G, p.Trp103Gly (NM_001035512.3); c.250T>G, p.Trp84Gly (NM_001035513.3); c.143T>G, p.Val48Gly (NM_001278172.3); c.529T>G, p.Trp177Gly (NM_001407115.1); c.352T>G, p.Trp118Gly (NM_001407116.1); c.346T>G, p.Trp116Gly (NM_001407117.1); c.301T>G, p.Trp101Gly (NM_001407118.1); and 2 more; short protein forms V63G, W116G, W177G, V82G, W100G, W84G, V48G, W101G.
Identifiers: ClinVar variation 1737821 (VCV001737821.6), dbSNP rs890210469, ClinGen allele CA31438845.